The following is an entry in ClinVar:

ClinVar aggregate classification (germline): Likely benign (0 of 4 stars; one submission).

Conditions:
HRG-related disorder. Also called: HRG-related condition.

Allele frequency attached by ClinVar (database versions not stated): gnomAD exomes 0.00005; gnomAD 0.00022; ExAC 0.00023; TOPMed 0.00026; 1000 Genomes Project 30x 0.00062; ESP Exome Variant Server 0.00062; 1000 Genomes Project 0.00080.
gnomAD v4.1: 103 of 1,614,242 alleles (0.0064%); highest among the groups gnomAD compares: South Asian, 0.06%; no homozygotes.

Submission:

PreventionGenetics, part of Exact Sciences
Classification: Likely benign for HRG-related condition. Last evaluated: 2019-06-04. Review status: no assertion criteria provided. Collection method: clinical testing. Allele origin: germline.
Comment: This variant is classified as likely benign based on ACMG/AMP sequence variant interpretation guidelines (Richards et al. 2015 PMID: 25741868, with internal and published modifications).

NM_000412.5(HRG):c.81T>C (p.Val27=)

Gene: HRG (histidine rich glycoprotein; plus strand). Cytogenetic location: 3q27.3.
Variant type: single nucleotide variant.
Coding change: c.81T>C on transcript NM_000412.5 (MANE Select); coding-DNA position 81, T replaced by C.
Protein change: p.Val27=; no amino-acid change (valine 27 retained).
Molecular consequence: synonymous variant.
Genome position (GRCh38, 1-based): chr3:186,666,112, T>C. VCF-style: chr3-186666112-T-C. GRCh37 (hg19) VCF-style: chr3-186383901-T-C.
Identifiers: ClinVar variation 3041300 (VCV003041300.2), dbSNP rs142020162, ClinGen allele CA2745534.